The following is an entry in ClinVar:

ClinVar aggregate classification (germline): Uncertain significance (1 of 4 stars; one submission).

Conditions:
Inborn genetic diseases. Identifiers: MedGen C0950123, MeSH D030342.

Allele frequency attached by ClinVar (database versions not stated): gnomAD exomes below 0.00001; TOPMed below 0.00001; gnomAD 0.00001.
gnomAD v4.1: 3 of 1,613,956 alleles (0.00019%); highest among the groups gnomAD compares: Non-Finnish European, 0.00025%; no homozygotes.

Submission:

Ambry Genetics
Classification: Uncertain significance for Inborn genetic diseases. Last evaluated: 2021-04-05. Review status: criteria provided, single submitter. Criteria: Ambry Variant Classification Scheme 2023. Collection method: clinical testing. Allele origin: germline.
Comment: The p.E277D variant (also known as c.831A>T), located in coding exon 5 of the SETX gene, results from an A to T substitution at nucleotide position 831. The glutamic acid at codon 277 is replaced by aspartic acid, an amino acid with highly similar properties. This amino acid position is poorly conserved in available vertebrate species. In addition, this alteration is predicted to be tolerated by in silico analysis. Since supporting evidence is limited at this time, the clinical significance of this alteration remains unclear.

NM_015046.7(SETX):c.831A>T (p.Glu277Asp)

Gene: SETX (senataxin; minus strand). Cytogenetic location: 9q34.13.
Variant type: single nucleotide variant.
Coding change: c.831A>T on transcript NM_015046.7 (MANE Select); coding-DNA position 831, A replaced by T.
Protein change: p.Glu277Asp; replaces glutamic acid 277 with aspartic acid.
Molecular consequence: missense variant.
Genome position (GRCh38, 1-based): chr9:132,334,615, T>A on the plus strand (A>T on the coding strand, the complement: SETX is on the minus strand). VCF-style: chr9-132334615-T-A. GRCh37 (hg19) VCF-style: chr9-135210002-T-A.
Other names: c.831A>T, p.Glu277Asp (NM_001351527.2, NM_001351528.2); short protein forms E277D.
Identifiers: ClinVar variation 1762897 (VCV001762897.2), dbSNP rs1847473069, ClinGen allele CA375348491.